The following is an entry in ClinVar:

NM_001123385.2(BCOR):c.4257C>G (p.Phe1419Leu)

Gene: BCOR (BCL6 corepressor; minus strand). Cytogenetic location: Xp11.4.
Variant type: single nucleotide variant.
Coding change: c.4257C>G on transcript NM_001123385.2 (MANE Select); coding-DNA position 4257, C replaced by G.
Protein change: p.Phe1419Leu; replaces phenylalanine 1419 with leucine.
Molecular consequence: missense variant.
Genome position (GRCh38, 1-based): chrX:40,062,310, G>C on the plus strand (C>G on the coding strand, the complement: BCOR is on the minus strand). VCF-style: chrX-40062310-G-C. GRCh37 (hg19) VCF-style: chrX-39921563-G-C.
Other names: c.4155C>G, p.Phe1385Leu (NM_001123383.2, NM_001438208.1, NM_017745.6); c.4101C>G, p.Phe1367Leu (NM_001123384.2); c.4257C>G, p.Phe1419Leu (NM_001437510.1, NM_001437511.1); c.4203C>G, p.Phe1401Leu (NM_001438207.1); short protein forms F1367L, F1385L, F1401L, F1419L.
Identifiers: ClinVar variation 4875282 (VCV004875282.2).

ClinVar aggregate classification (germline): Uncertain significance (1 of 4 stars; one submission).

gnomAD v4.1: 2 of 1,209,267 alleles (0.00017%); highest among the groups gnomAD compares: Admixed American, 0.0022%; no homozygotes.

Submission:

CeGaT Center for Human Genetics Tuebingen
Classification: Uncertain significance. Last evaluated: 2026-06-01. Review status: criteria provided, single submitter. Criteria: CeGaT Center For Human Genetics Tuebingen Variant Classification Criteria Version 2. Collection method: clinical testing. Allele origin: germline. Affected: yes. Observed: 1 variant allele.
Comment: BCOR: PM2